The following is an entry in ClinVar:

ClinVar aggregate classification (germline): Uncertain significance (1 of 4 stars; one submission).

Conditions:
PLXNA2-related disorder. Also called: PLXNA2-related condition.

Submission:

PreventionGenetics, part of Exact Sciences
Classification: Uncertain significance for PLXNA2-related condition. Last evaluated: 2025-04-16. Review status: criteria provided, single submitter. Criteria: ACMG Guidelines, 2015. Collection method: clinical testing. Allele origin: germline.
Comment: The PLXNA2 c.4818_4819delCA variant is predicted to result in a frameshift and premature protein termination (p.Ile1607Profs*52). To our knowledge, this variant has not been reported in the literature or in a large population database (gnomAD), indicating this variant is rare. At this time, the clinical significance of this variant is uncertain due to the absence of conclusive functional and genetic evidence.

NM_025179.4(PLXNA2):c.4818_4819del (p.Ile1607fs)

Gene: PLXNA2 (plexin A2; minus strand). Cytogenetic location: 1q32.2.
Variant type: Deletion.
Coding change: c.4818_4819del on transcript NM_025179.4 (MANE Select); coding-DNA positions 4818 to 4819, 2 bases deleted (CA; older notation c.4818_4819delCA).
Protein change: p.Ile1607fs; shifts the reading frame from isoleucine 1607.
Molecular consequence: frameshift variant.
Genome position (GRCh38, 1-based): chr1:208,034,538-208,034,539, TG deleted on the plus strand (CA on the coding strand, the reverse complement: PLXNA2 is on the minus strand); deleting any 2 consecutive bases within chr1:208,034,538-208,034,540 gives the same sequence; the c. name uses the placement nearest the transcript's 3' end. VCF-style (leftmost placement, unchanged base first): chr1-208034537-ATG-A. GRCh37 (hg19) VCF-style: chr1-208207882-ATG-A.
Other names: short protein forms I1607fs.
Identifiers: ClinVar variation 4997844 (VCV004997844.1).